The following is an entry in ClinVar:

NM_000271.5(NPC1):c.2728G>A (p.Gly910Ser)

Gene: NPC1 (NPC intracellular cholesterol transporter 1; minus strand). Cytogenetic location: 18q11.2.
Variant type: single nucleotide variant.
Coding change: c.2728G>A on transcript NM_000271.5 (MANE Select); coding-DNA position 2728, G replaced by A.
Protein change: p.Gly910Ser; replaces glycine 910 with serine.
Molecular consequence: missense variant.
Genome position (GRCh38, 1-based): chr18:23,539,878, C>T on the plus strand (G>A on the coding strand, the complement: NPC1 is on the minus strand). VCF-style: chr18-23539878-C-T. GRCh37 (hg19) VCF-style: chr18-21119842-C-T.
Other names: short protein forms G910S.
Identifiers: ClinVar variation 268187 (VCV000268187.14), dbSNP rs768999208, ClinGen allele CA8912990.

ClinVar aggregate classification (germline): Pathogenic/Likely pathogenic. Review status: criteria provided, multiple submitters, no conflicts (2 of 4 stars). 6 submissions from 6 submitters: Pathogenic (2); Likely pathogenic (3). 1 of the submissions does not count toward it. Last evaluated 2025-12-06.

Conditions:
Niemann-Pick disease, type C1. Also called: NIEMANN-PICK DISEASE, VARIANT TYPE C1; NEUROVISCERAL STORAGE DISEASE WITH VERTICAL SUPRANUCLEAR OPHTHALMOPLEGIA; NIEMANN-PICK DISEASE WITH CHOLESTEROL ESTERIFICATION BLOCK; NIEMANN-PICK DISEASE WITHOUT SPHINGOMYELINASE DEFICIENCY; NIEMANN-PICK DISEASE, CHRONIC NEURONOPATHIC FORM. Identifiers: Orphanet 646, MedGen C3179455, MONDO:0009757, OMIM 257220.

Allele frequency attached by ClinVar (database versions not stated): ExAC 0.00001; gnomAD exomes 0.00001; TOPMed 0.00002.
gnomAD v4.1: 3 of 1,614,184 alleles (0.00019%); highest among the groups gnomAD compares: South Asian, 0.0011%; no homozygotes.

Submissions (6):

Labcorp Genetics (formerly Invitae), Labcorp
Classification: Pathogenic for Niemann-Pick disease, type C1. Last evaluated: 2025-12-06. Review status: criteria provided, single submitter. Criteria: Invitae Variant Classification Sherloc (09022015). Collection method: clinical testing. Allele origin: germline.
Comment: This sequence change replaces glycine, which is neutral and non-polar, with serine, which is neutral and polar, at codon 910 of the NPC1 protein (p.Gly910Ser). This variant is present in population databases (rs768999208, gnomAD 0.002%). This missense change has been observed in individual(s) with Niemann-Pick type C (PMID: 12401890, 26108224, 27706244, 28480683, 28802248, 29197565). ClinVar contains an entry for this variant (Variation ID: 268187). Invitae Evidence Modeling of protein sequence and biophysical properties (such as structural, functional, and spatial information, amino acid conservation, physicochemical variation, residue mobility, and thermodynamic stability) indicates that this missense variant is expected to disrupt NPC1 protein function with a positive predictive value of 95%. For these reasons, this variant has been classified as Pathogenic.

Revvity Omics, Revvity
Classification: Likely pathogenic for Niemann-Pick disease, type C1. Last evaluated: 2024-04-04. Review status: criteria provided, single submitter. Criteria: ACMG Guidelines, 2015. Collection method: clinical testing. Allele origin: germline.

Natera, Inc.
Classification: Pathogenic for Niemann-Pick disease type C1. Last evaluated: 2024-03-25. Review status: criteria provided, single submitter. Criteria: Natera Variant Classification Schema (03/2026). Collection method: clinical testing. Allele origin: germline.
Comment: The c.2728G>A variant in NPC1 is a missense variant predicted to cause substitution of glycine to serine at amino acid 910. This variant is rare in the general population with a frequency below the threshold expected for the associated phenotype(s). This variant has been observed in one or more individuals affected with the associated recessive disease, as either homozygous or compound heterozygous with a second variant (PMID: 12401890, 32138288, 33947371, 29197565, 38131230). Computational prediction algorithms indicate this variant is likely to affect gene or protein function. Given the available evidence, this variant is classified as Pathogenic.

Laboratorio de Genetica e Diagnostico Molecular, Hospital Israelita Albert Einstein
Classification: Likely pathogenic. Last evaluated: 2021-04-26. Review status: criteria provided, single submitter. Criteria: ACMG Guidelines, 2015. Collection method: clinical testing. Allele origin: germline. Affected: yes.
Comment: ACMG classification criteria: PS4, PM2, PM3, PP3

GeneDx
Classification: Likely pathogenic. Last evaluated: 2016-11-07. Review status: criteria provided, single submitter. Criteria: GeneDx Variant Classification (06012015). Collection method: clinical testing. Allele origin: germline. Affected: yes.
Comment: The G910S variant was not observed in approximately 6500 individuals of European and African American ancestry in the NHLBI Exome Sequencing Project, indicating it is not a common benign variant in these populations. The G910S variant is a non-conservative amino acid substitution, which is likely to impact secondary protein structure as these residues differ in polarity, charge, size and/or other properties. This substitution occurs at a position that is conserved across species. In silico analysis predicts this variant likely does not alter the protein structure/function. Therefore, we interpret G910S as a likely pathogenic variant.

Counsyl
Classification: Likely pathogenic for Niemann-Pick disease, type C1. Last evaluated: 2018-04-18. Review status: no assertion criteria provided. Collection method: clinical testing. Allele origin: unknown. Not counted in ClinVar's aggregate classification.

Literature cited by the submitters: PubMed 12401890 (cited by 3 submitters); PubMed 26108224 (cited by Labcorp Genetics (formerly Invitae), Labcorp and Counsyl); PubMed 27706244 (cited by Labcorp Genetics (formerly Invitae), Labcorp and Counsyl); PubMed 28480683 (cited by Labcorp Genetics (formerly Invitae), Labcorp and Counsyl); PubMed 28802248 (cited by Labcorp Genetics (formerly Invitae), Labcorp and Counsyl); PubMed 29197565 (cited by 3 submitters); PubMed 32138288 (cited by Natera, Inc.); PubMed 33947371 (cited by Natera, Inc.); PubMed 38131230 (cited by Natera, Inc.); PubMed 28193631 (cited by Counsyl).